The following is an entry in ClinVar:

NM_004082.5(DCTN1):c.3547G>T (p.Ala1183Ser)

Gene: DCTN1 (dynactin subunit 1; minus strand). Cytogenetic location: 2p13.1.
Variant type: single nucleotide variant.
Coding change: c.3547G>T on transcript NM_004082.5 (MANE Select); coding-DNA position 3547, G replaced by T.
Protein change: p.Ala1183Ser; replaces alanine 1183 with serine.
Molecular consequence: missense variant. On other transcripts: non-coding transcript variant (1).
Genome position (GRCh38, 1-based): chr2:74,362,712, C>A on the plus strand (G>T on the coding strand, the complement: DCTN1 is on the minus strand). VCF-style: chr2-74362712-C-A. GRCh37 (hg19) VCF-style: chr2-74589839-C-A.
Other names: c.3472G>T, p.Ala1158Ser (NM_001135040.3); c.3130G>T, p.Ala1044Ser (NM_001135041.3); c.3421G>T, p.Ala1141Ser (NM_001190836.2); c.3526G>T, p.Ala1176Ser (NM_001190837.2); c.3496G>T, p.Ala1166Ser (NM_001378991.1); c.3478G>T, p.Ala1160Ser (NM_001378992.1); c.3145G>T, p.Ala1049Ser (NM_023019.4); short protein forms A1141S, A1049S, A1183S, A1158S, A1044S, A1176S, A1160S, A1166S.
Identifiers: ClinVar variation 337071 (VCV000337071.23), dbSNP rs886056329, ClinGen allele CA10613967.

ClinVar aggregate classification (germline): Uncertain significance. Review status: criteria provided, multiple submitters, no conflicts (2 of 4 stars). 4 submissions from 3 submitters: Uncertain significance (4). Last evaluated 2025-09-17.

Conditions:
Neuronopathy, distal hereditary motor, type 7B. Also called: Distal Hereditary Motor Neuronopathy Type 7B (dHMN7B); HMN VIIB; LOWER MOTOR NEURON DISEASE, DYNACTIN TYPE; NEURONOPATHY, DISTAL HEREDITARY MOTOR, AUTOSOMAL DOMINANT 14; NEURONOPATHY, DISTAL HEREDITARY MOTOR, HARDING TYPE VIIB; NEUROPATHY, DISTAL HEREDITARY MOTOR, HARDING TYPE VIIB. Identifiers: Orphanet 139589, MedGen C1843315, MONDO:0011879, OMIM 607641.
Perry syndrome. Also called: PARKINSONISM WITH ALVEOLAR HYPOVENTILATION AND MENTAL DEPRESSION. Identifiers: Orphanet 178509, MedGen C1868594, MONDO:0008201, OMIM 168605.
Amyotrophic lateral sclerosis type 1 (ALS1). Also called: AMYOTROPHIC LATERAL SCLEROSIS 1, FAMILIAL. Identifiers: Orphanet 803, MedGen C1862939, MONDO:0007103, OMIM 105400.

gnomAD v4.1: 3 of 1,613,966 alleles (0.00019%); highest among the groups gnomAD compares: Non-Finnish European, 0.00025%; no homozygotes.

Submissions (4):

Labcorp Genetics (formerly Invitae), Labcorp
Classification: Uncertain significance for Amyotrophic lateral sclerosis type 1; Neuronopathy, distal hereditary motor, type 7B; Perry syndrome. Last evaluated: 2025-09-17. Review status: criteria provided, single submitter. Criteria: Invitae Variant Classification Sherloc (09022015). Collection method: clinical testing. Allele origin: germline.
Comment: This sequence change replaces alanine, which is neutral and non-polar, with serine, which is neutral and polar, at codon 1183 of the DCTN1 protein (p.Ala1183Ser). This variant is not present in population databases (gnomAD no frequency). This variant has not been reported in the literature in individuals affected with DCTN1-related conditions. ClinVar contains an entry for this variant (Variation ID: 337071). Invitae Evidence Modeling of protein sequence and biophysical properties (such as structural, functional, and spatial information, amino acid conservation, physicochemical variation, residue mobility, and thermodynamic stability) indicates that this missense variant is not expected to disrupt DCTN1 protein function with a negative predictive value of 95%. In summary, the available evidence is currently insufficient to determine the role of this variant in disease. Therefore, it has been classified as a Variant of Uncertain Significance.

CeGaT Center for Human Genetics Tuebingen
Classification: Uncertain significance. Last evaluated: 2024-08-01. Review status: criteria provided, single submitter. Criteria: CeGaT Center For Human Genetics Tuebingen Variant Classification Criteria Version 2. Collection method: clinical testing. Allele origin: germline. Affected: yes. Observed: 1 variant allele.
Comment: DCTN1: PM2, BP4

Illumina Laboratory Services, Illumina
Classification: Uncertain significance for Neuronopathy, distal hereditary motor, type 7B. Last evaluated: 2018-01-13. Review status: criteria provided, single submitter. Criteria: ICSL Variant Classification Criteria 13 December 2019. Collection method: clinical testing. Allele origin: germline.

Illumina Laboratory Services, Illumina
Classification: Uncertain significance for Perry syndrome. Last evaluated: 2018-01-13. Review status: criteria provided, single submitter. Criteria: ICSL Variant Classification Criteria 13 December 2019. Collection method: clinical testing. Allele origin: germline.